The following is an entry in ClinVar:

ClinVar aggregate classification (germline): Pathogenic (1 of 4 stars; one submission).

Conditions:
Fanconi anemia (FA). Also called: Fanconi's anemia. Identifiers: Orphanet 84, MedGen C0015625, MeSH D005199, MONDO:0019391.

Submission:

Labcorp Genetics (formerly Invitae), Labcorp
Classification: Pathogenic for Fanconi anemia. Last evaluated: 2023-01-14. Review status: criteria provided, single submitter. Criteria: Invitae Variant Classification Sherloc (09022015). Collection method: clinical testing. Allele origin: germline.
Comment: This variant is not present in population databases (gnomAD no frequency). This sequence change creates a premature translational stop signal (p.Ala1334Argfs*11) in the FANCA gene. It is expected to result in an absent or disrupted protein product. Loss-of-function variants in FANCA are known to be pathogenic (PMID: 19367192). For these reasons, this variant has been classified as Pathogenic. This variant has not been reported in the literature in individuals affected with FANCA-related conditions.

Literature cited by the submitters: PubMed 19367192.

NM_000135.4(FANCA):c.3998dup (p.Ala1334fs)

Genes: FANCA (FA complementation group A; minus strand), ZNF276 (zinc finger protein 276; plus strand). Cytogenetic location: 16q24.3.
Variant type: Duplication.
Coding change: c.3998dup on transcript NM_000135.4 (MANE Select); coding-DNA position 3998, one base duplicated (T; older notation c.3998dupT).
Protein change: p.Ala1334fs; shifts the reading frame from alanine 1334.
Molecular consequence: frameshift variant. On other transcripts: 3 prime UTR variant (2), non-coding transcript variant (4).
Genome position (GRCh38, 1-based): chr16:89,739,490, A duplicated on the plus strand (T on the coding strand, the reverse complement: FANCA is on the minus strand); the first of 3 consecutive A bases (chr16:89,739,490-89,739,492); duplicating any one gives the same sequence. VCF-style (leftmost placement, unchanged base first): chr16-89739489-G-GA. GRCh37 (hg19) VCF-style: chr16-89805897-G-GA.
Other names: c.*1246dup (NM_001113525.2, NM_152287.4); c.3998dup, p.Ala1334fs (NM_001286167.3); short protein forms A1334fs.
Identifiers: ClinVar variation 2828365 (VCV002828365.3), dbSNP rs2544082178, ClinGen allele CA2739267032.
Genomic context (GRCh38, chr16:89,739,489, plus strand): 5'-GGTCTGGGAAACACTGCCCAGCCCTGACCAGCCCTGTGGGTGGAGGTACCTGTAAAAAGC[G>GA]AAAGGCAGCAGCCTGGTGTGCTGATCCGGGGCCACACGGAGGAGGAGCCGCCCCAGCCTG-3'